The following is an entry in ClinVar:

ClinVar aggregate classification (germline): Uncertain significance (1 of 4 stars; one submission).

Conditions:
Hereditary cancer-predisposing syndrome. Also called: Neoplastic Syndromes, Hereditary; Tumor predisposition; Hereditary neoplastic syndrome; Hereditary Cancer Syndrome. Identifiers: Orphanet 140162, MedGen C0027672, MeSH D009386, MONDO:0015356.
Cardiovascular phenotype. Identifiers: MedGen CN230736.

Allele frequency attached by ClinVar (database versions not stated): gnomAD 0.00001.
gnomAD v4.1: 2 of 1,613,406 alleles (0.00012%); highest among the groups gnomAD compares: Non-Finnish European, 0.00017%; no homozygotes.

Submission:

Ambry Genetics
Classification: Uncertain significance for Cardiovascular phenotype; Hereditary cancer-predisposing syndrome. Last evaluated: 2023-04-17. Review status: criteria provided, single submitter. Criteria: Ambry Variant Classification Scheme 2023. Collection method: clinical testing. Allele origin: germline.
Comment: The p.L756P variant (also known as c.2267T>C), located in coding exon 19 of the LZTR1 gene, results from a T to C substitution at nucleotide position 2267. The leucine at codon 756 is replaced by proline, an amino acid with similar properties. This amino acid position is highly conserved in available vertebrate species. In addition, this alteration is predicted to be deleterious by in silico analysis. Since supporting evidence is limited at this time, the clinical significance of this alteration remains unclear.

NM_006767.4(LZTR1):c.2267T>C (p.Leu756Pro)

Gene: LZTR1 (leucine zipper like post translational regulator 1; plus strand). Cytogenetic location: 22q11.21.
Variant type: single nucleotide variant.
Coding change: c.2267T>C on transcript NM_006767.4 (MANE Select); coding-DNA position 2267, T replaced by C.
Protein change: p.Leu756Pro; replaces leucine 756 with proline.
Molecular consequence: missense variant.
Genome position (GRCh38, 1-based): chr22:20,996,743, T>C. VCF-style: chr22-20996743-T-C. GRCh37 (hg19) VCF-style: chr22-21351032-T-C.
Other names: short protein forms L756P.
Identifiers: ClinVar variation 3238226 (VCV003238226.1), dbSNP rs1360345883.